The following is an entry in ClinVar:

ClinVar aggregate classification (germline): Uncertain significance. Review status: criteria provided, multiple submitters, no conflicts (2 of 4 stars). 2 submissions from 2 submitters: Uncertain significance (2). Last evaluated 2024-12-09.

Conditions:
Xanthinuria type II. Also called: Xanthine dehydrogenase and aldehyde oxidase combined deficiency of; XDH and AOX dual deficiency. Identifiers: Orphanet 3467, Orphanet 93602, MedGen C1863688, MONDO:0011346, OMIM 603592.

Allele frequency attached by ClinVar (database versions not stated): 1000 Genomes Project 30x 0.00016.
gnomAD v4.1: 32 of 1,613,892 alleles (0.002%); highest among the groups gnomAD compares: African/African-American, 0.029%; no homozygotes.

Submissions (2):

Labcorp Genetics (formerly Invitae), Labcorp
Classification: Uncertain significance for Xanthinuria type II. Last evaluated: 2024-12-09. Review status: criteria provided, single submitter. Criteria: Invitae Variant Classification Sherloc (09022015). Collection method: clinical testing. Allele origin: germline.
Comment: This sequence change replaces glutamic acid, which is acidic and polar, with glutamine, which is neutral and polar, at codon 438 of the MOCOS protein (p.Glu438Gln). This variant is present in population databases (rs189188406, gnomAD 0.02%). This variant has not been reported in the literature in individuals affected with MOCOS-related conditions. ClinVar contains an entry for this variant (Variation ID: 2166218). Invitae Evidence Modeling of protein sequence and biophysical properties (such as structural, functional, and spatial information, amino acid conservation, physicochemical variation, residue mobility, and thermodynamic stability) indicates that this missense variant is not expected to disrupt MOCOS protein function with a negative predictive value of 80%. In summary, the available evidence is currently insufficient to determine the role of this variant in disease. Therefore, it has been classified as a Variant of Uncertain Significance.

Ambry Genetics
Classification: Uncertain significance. Last evaluated: 2021-08-12. Review status: criteria provided, single submitter. Criteria: Ambry Variant Classification Scheme 2023. Collection method: clinical testing. Allele origin: germline.

NM_017947.4(MOCOS):c.1312G>C (p.Glu438Gln)

Gene: MOCOS (molybdenum cofactor sulfurase; plus strand). Cytogenetic location: 18q12.2.
Variant type: single nucleotide variant.
Coding change: c.1312G>C on transcript NM_017947.4 (MANE Select); coding-DNA position 1312, G replaced by C.
Protein change: p.Glu438Gln; replaces glutamic acid 438 with glutamine.
Molecular consequence: missense variant.
Genome position (GRCh38, 1-based): chr18:36,213,459, G>C. VCF-style: chr18-36213459-G-C. GRCh37 (hg19) VCF-style: chr18-33793422-G-C.
Other names: c.1312G>C (NM_017947.2); short protein forms E438Q.
Identifiers: ClinVar variation 2166218 (VCV002166218.3), dbSNP rs189188406, ClinGen allele CA8940690.
Genomic context (GRCh38, chr18:36,213,459, plus strand): 5'-CTGCGAACTGGCTGCTTCTGTAACACTGGGGCCTGCCAGAGGCACCTGGGCATAAGCAAC[G>C]AGATGGTCAGGAAGCATTTTCAGGTTGGTACAGGGCTCTGCGATCCAGACGCTGGTCAGC-3'
Protein context (NP_060417.4, residues 428-448): ACQRHLGISN[Glu438Gln]MVRKHFQAGH